The following is an entry in ClinVar:

ClinVar aggregate classification (germline): Uncertain significance. Review status: criteria provided, multiple submitters, no conflicts (2 of 4 stars). 2 submissions from 2 submitters: Uncertain significance (2). Last evaluated 2024-10-23.

Conditions:
Inborn genetic diseases. Identifiers: MedGen C0950123, MeSH D030342.

Allele frequency attached by ClinVar (database versions not stated): gnomAD 0.00001; gnomAD exomes 0.00001; ExAC 0.00002; TOPMed 0.00003; 1000 Genomes Project 30x 0.00016; 1000 Genomes Project 0.00020.

Submissions (2):

Labcorp Genetics (formerly Invitae), Labcorp
Classification: Uncertain significance. Last evaluated: 2024-10-23. Review status: criteria provided, single submitter. Criteria: Invitae Variant Classification Sherloc (09022015). Collection method: clinical testing. Allele origin: germline.
Comment: This sequence change replaces glycine, which is neutral and non-polar, with aspartic acid, which is acidic and polar, at codon 131 of the DEAF1 protein (p.Gly131Asp). This variant is present in population databases (rs545790696, gnomAD 0.006%). This variant has not been reported in the literature in individuals affected with DEAF1-related conditions. ClinVar contains an entry for this variant (Variation ID: 2199438). Invitae Evidence Modeling of protein sequence and biophysical properties (such as structural, functional, and spatial information, amino acid conservation, physicochemical variation, residue mobility, and thermodynamic stability) has been performed for this missense variant. However, the output from this modeling did not meet the statistical confidence thresholds required to predict the impact of this variant on DEAF1 protein function. In summary, the available evidence is currently insufficient to determine the role of this variant in disease. Therefore, it has been classified as a Variant of Uncertain Significance.

Ambry Genetics
Classification: Uncertain significance for Inborn genetic diseases. Last evaluated: 2022-05-26. Review status: criteria provided, single submitter. Criteria: Ambry Variant Classification Scheme 2023. Collection method: clinical testing. Allele origin: germline.

NM_021008.4(DEAF1):c.392G>A (p.Gly131Asp)

Gene: DEAF1 (DEAF1 transcription factor; minus strand). Cytogenetic location: 11p15.5.
Variant type: single nucleotide variant.
Coding change: c.392G>A on transcript NM_021008.4 (MANE Select); coding-DNA position 392, G replaced by A.
Protein change: p.Gly131Asp; replaces glycine 131 with aspartic acid.
Molecular consequence: missense variant. On other transcripts: 5 prime UTR variant (1).
Genome position (GRCh38, 1-based): chr11:688,456, C>T on the plus strand (G>A on the coding strand, the complement: DEAF1 is on the minus strand). VCF-style: chr11-688456-C-T. GRCh37 (hg19) VCF-style: chr11-688456-C-T.
Other names: c.392G>A, p.Gly131Asp (NM_001293634.2); c.-335G>A (NM_001367390.1); short protein forms G131D.
Identifiers: ClinVar variation 2199438 (VCV002199438.5), dbSNP rs545790696, ClinGen allele CA5786554.